The following is an entry in ClinVar:

ClinVar aggregate classification (germline): Conflicting classifications of pathogenicity. Review status: criteria provided, conflicting classifications (1 of 4 stars). 2 submissions from 2 submitters: Uncertain significance (1); Likely benign (1). Last evaluated 2022-10-12.

Conditions:
Inborn genetic diseases. Identifiers: MedGen C0950123, MeSH D030342.
Primary ciliary dyskinesia. Also called: Ciliary dyskinesia. Identifiers: Orphanet 244, MedGen C0008780, MONDO:0016575, HP:0012265.

Allele frequency attached by ClinVar (database versions not stated): gnomAD 0.00006 and 0.00007; TOPMed 0.00007; gnomAD exomes 0.00010 and 0.00024; ESP Exome Variant Server 0.00015; ExAC 0.00005.
gnomAD v4.1: 350 of 1,612,876 alleles (0.022%); highest among the groups gnomAD compares: Non-Finnish European, 0.028%; no homozygotes.

Submissions (2):

Ambry Genetics
Classification: Likely benign for Inborn genetic diseases. Last evaluated: 2022-10-12. Review status: criteria provided, single submitter. Criteria: Ambry Variant Classification Scheme 2023. Collection method: clinical testing. Allele origin: germline.

Labcorp Genetics (formerly Invitae), Labcorp
Classification: Uncertain significance for Primary ciliary dyskinesia. Last evaluated: 2021-08-28. Review status: criteria provided, single submitter. Criteria: Invitae Variant Classification Sherloc (09022015). Collection method: clinical testing. Allele origin: germline.
Comment: This sequence change replaces methionine with threonine at codon 262 of the RSPH1 protein (p.Met262Thr). The methionine residue is weakly conserved and there is a moderate physicochemical difference between methionine and threonine. This variant is present in population databases (rs139390401, ExAC 0.009%). This variant has not been reported in the literature in individuals affected with RSPH1-related conditions. Algorithms developed to predict the effect of missense changes on protein structure and function output the following: SIFT: "Tolerated"; PolyPhen-2: "Benign"; Align-GVGD: "Class C0". The threonine amino acid residue is found in multiple mammalian species, which suggests that this missense change does not adversely affect protein function. In summary, the available evidence is currently insufficient to determine the role of this variant in disease. Therefore, it has been classified as a Variant of Uncertain Significance.

NM_080860.4(RSPH1):c.785T>C (p.Met262Thr)

Gene: RSPH1 (radial spoke head component 1; minus strand). Cytogenetic location: 21q22.3.
Variant type: single nucleotide variant.
Coding change: c.785T>C on transcript NM_080860.4 (MANE Select); coding-DNA position 785, T replaced by C.
Protein change: p.Met262Thr; replaces methionine 262 with threonine.
Molecular consequence: missense variant.
Genome position (GRCh38, 1-based): chr21:42,475,990, A>G on the plus strand (T>C on the coding strand, the complement: RSPH1 is on the minus strand). VCF-style: chr21-42475990-A-G. GRCh37 (hg19) VCF-style: chr21-43896100-A-G.
Other names: c.785T>C (NM_080860.2); c.671T>C, p.Met224Thr (NM_001286506.2); short protein forms M262T, M224T.
Identifiers: ClinVar variation 454952 (VCV000454952.10), dbSNP rs139390401, ClinGen allele CA10043746.
Genomic context (GRCh38, chr21:42,475,990, plus strand): 5'-TCATACTCCCGGCTCTCTTCCCGGAGGACGTCTGCATCTTCATCTCCAGGCCTCATGTCC[A>G]TCTCACCCTCGAAGCCCTCCAGCAGAGCCTGGGCCTCCTCCCCGGGTTCTCCTGCACCTG-3'
Protein context (NP_543136.1, residues 252-272): QALLEGFEGE[Met262Thr]DMRPGDEDAD